The following is an entry in ClinVar:

ClinVar aggregate classification (germline): Pathogenic (1 of 4 stars; one submission).

Submission:

GeneDx
Classification: Pathogenic. Last evaluated: 2013-05-28. Review status: criteria provided, single submitter. Criteria: GeneDx Variant Classification (06012015). Collection method: clinical testing. Allele origin: germline. Affected: yes.
Comment: This variant is denoted p.Glu31Stop (GAG>TAG): c.91 G>T in exon 1 of the PCDH19 gene (NM_001105243.1). The Glu31Stop nonsense mutation in the PCDH19 gene is predicted to cause loss of normal protein function either through protein truncation or nonsense-mediated mRNA decay. Although this mutation has not been reported previously to our knowledge, many other frameshift mutations have been reported in the PCDH19 gene. Therefore, the presence of Glu31Stop is consistent with a diagnosis of a PCDH19-related disorder. The variant is found in EPILEPSY panel(s).

NM_001184880.2(PCDH19):c.91G>T (p.Glu31Ter)

Gene: PCDH19 (protocadherin 19; minus strand). Cytogenetic location: Xq22.1.
Variant type: single nucleotide variant.
Coding change: c.91G>T on transcript NM_001184880.2 (MANE Select); coding-DNA position 91, G replaced by T.
Protein change: p.Glu31Ter; replaces glutamic acid 31 with a stop codon.
Molecular consequence: nonsense.
Genome position (GRCh38, 1-based): chrX:100,408,507, C>A on the plus strand (G>T on the coding strand, the complement: PCDH19 is on the minus strand). VCF-style: chrX-100408507-C-A. GRCh37 (hg19) VCF-style: chrX-99663505-C-A.
Other names: p.E31*:GAG>TAG; c.91G>T, p.Glu31Ter (NM_001105243.2, NM_020766.3); short protein forms E31*.
Identifiers: ClinVar variation 206307 (VCV000206307.2), dbSNP rs796052794, ClinGen allele CA316278.